The following is an entry in ClinVar:

ClinVar aggregate classification (germline): Uncertain significance (1 of 4 stars; one submission).

Conditions:
Charcot-Marie-Tooth disease type 4. Also called: Charcot-Marie-Tooth disease, type IV; Charcot-Marie-Tooth, Type 4. Identifiers: Orphanet 64749, MedGen C4082197, MONDO:0018995.

Allele frequency attached by ClinVar (database versions not stated): gnomAD exomes below 0.00001 and 0.00001.
gnomAD v4.1: 9 of 1,611,410 alleles (0.00056%); highest among the groups gnomAD compares: Non-Finnish European, 0.00076%; no homozygotes.

Submission:

Labcorp Genetics (formerly Invitae), Labcorp
Classification: Uncertain significance for Charcot-Marie-Tooth disease type 4. Last evaluated: 2021-09-01. Review status: criteria provided, single submitter. Criteria: Invitae Variant Classification Sherloc (09022015). Collection method: clinical testing. Allele origin: germline.
Comment: This sequence change replaces glutamine with histidine at codon 1154 of the PRX protein (p.Gln1154His). The glutamine residue is highly conserved and there is a small physicochemical difference between glutamine and histidine. This variant is not present in population databases (ExAC no frequency). This variant has not been reported in the literature in individuals affected with PRX-related conditions. Algorithms developed to predict the effect of missense changes on protein structure and function are either unavailable or do not agree on the potential impact of this missense change (SIFT: "Deleterious"; PolyPhen-2: "Benign"; Align-GVGD: "Class C0"). In summary, the available evidence is currently insufficient to determine the role of this variant in disease. Therefore, it has been classified as a Variant of Uncertain Significance.

NM_181882.3(PRX):c.3462G>C (p.Gln1154His)

Gene: PRX (periaxin; minus strand). Cytogenetic location: 19q13.2.
Variant type: single nucleotide variant.
Coding change: c.3462G>C on transcript NM_181882.3 (MANE Select); coding-DNA position 3462, G replaced by C.
Protein change: p.Gln1154His; replaces glutamine 1154 with histidine.
Molecular consequence: missense variant. On other transcripts: 3 prime UTR variant (1).
Genome position (GRCh38, 1-based): chr19:40,394,890, C>G on the plus strand (G>C on the coding strand, the complement: PRX is on the minus strand). VCF-style: chr19-40394890-C-G. GRCh37 (hg19) VCF-style: chr19-40900797-C-G.
Other names: c.*3667G>C (NM_020956.2); short protein forms Q1154H.
Identifiers: ClinVar variation 1001881 (VCV001001881.6), dbSNP rs374969898, ClinGen allele CA308416925.